The following is an entry in ClinVar:

ClinVar aggregate classification (germline): Likely benign (1 of 4 stars; one submission).

Allele frequency attached by ClinVar (database versions not stated): TOPMed 0.00020; gnomAD exomes 0.00013; 1000 Genomes Project 30x 0.00016; gnomAD 0.00016 and 0.00018.
gnomAD v4.1: 188 of 1,390,048 alleles (0.014%); highest among the groups gnomAD compares: South Asian, 0.079%; 2 homozygotes.

Submission:

CeGaT Center for Human Genetics Tuebingen
Classification: Likely benign. Last evaluated: 2026-10-01. Review status: criteria provided, single submitter. Criteria: CeGaT Center For Human Genetics Tuebingen Variant Classification Criteria Version 2. Collection method: clinical testing. Allele origin: germline. Affected: yes. Observed: 4 variant alleles.
Comment: WDR26: BP4, BP7

NM_001379403.1(WDR26):c.180C>G (p.Ser60=)

Gene: WDR26 (WD repeat domain 26; minus strand). Cytogenetic location: 1q42.12.
Variant type: single nucleotide variant.
Coding change: c.180C>G on transcript NM_001379403.1 (MANE Select); coding-DNA position 180, C replaced by G.
Protein change: p.Ser60=; no amino-acid change (serine 60 retained).
Molecular consequence: synonymous variant. On other transcripts: 5 prime UTR variant (2).
Genome position (GRCh38, 1-based): chr1:224,434,226, G>C on the plus strand (C>G on the coding strand, the complement: WDR26 is on the minus strand). VCF-style: chr1-224434226-G-C. GRCh37 (hg19) VCF-style: chr1-224621928-G-C.
Other names: c.-121C>G (NM_001115113.3, NM_025160.7).
Identifiers: ClinVar variation 1176223 (VCV001176223.35), dbSNP rs1032102474, ClinGen allele CA38747786.
Genomic context (GRCh38, chr1:224,434,226, plus strand): 5'-AGGGGCAGCAGCCGGGGGAAGTCCCACCACTACCACCACGGAGGAGGAGGAGGAGGAGGA[G>C]GACGAGGACGACGAGGACGGAGGGGAGAGGCCTGCTCTGCCTGCCGAAGCCCCGGGCTCT-3'
Protein context (NP_001366332.1, residues 50-70): GLSPPSSSSS[Ser60=]SSSSSSSVVV